The following is an entry in ClinVar:

NM_017763.6(RNF43):c.1109del (p.Pro370fs)

Gene: RNF43 (ring finger protein 43; minus strand). Cytogenetic location: 17q22.
Variant type: Deletion.
Coding change: c.1109del on transcript NM_017763.6 (MANE Select); coding-DNA position 1109, one base deleted (C; older notation c.1109delC).
Protein change: p.Pro370fs; shifts the reading frame from proline 370.
Molecular consequence: frameshift variant.
Genome position (GRCh38, 1-based): chr17:58,358,667, G deleted on the plus strand (C on the coding strand, the reverse complement: RNF43 is on the minus strand); the first of 5 consecutive G bases (chr17:58,358,667-58,358,671); deleting any one gives the same sequence. VCF-style (leftmost placement, unchanged base first): chr17-58358666-TG-T. GRCh37 (hg19) VCF-style: chr17-56436027-TG-T.
Other names: c.1109delC (NM_017763.4); c.1105delC, p.Pro370Hisfs (NM_001305544.3); c.724delC, p.Pro243Hisfs (NM_001305545.2); short protein forms P243fs, P370fs.
Identifiers: ClinVar variation 2860437 (VCV002860437.5), dbSNP rs1972761250, ClinGen allele CA2267670030.
Genomic context (GRCh38, chr17:58,358,666, plus strand): 5'-GAAGCGGTGATGCCGAGGGCCCATGCCTGGCTCCTGGGATGGCAGGAAGGGACCAGGTCG[TG>T]GGGGCCGAGCCACTGCACTCCGGGAAGGGCCCAACAGGTAGGCAGCAGGGAGGTGGTAGT-3'

ClinVar aggregate classification (germline): Conflicting classifications of pathogenicity. Review status: criteria provided, conflicting classifications (1 of 4 stars). 3 submissions from 3 submitters: Pathogenic (1); Uncertain significance (2). Last evaluated 2026-04-02.

Conditions:
Sessile serrated polyposis cancer syndrome (SSPCS). Identifiers: Orphanet 157798, MedGen C4310714, MONDO:0014919, OMIM 617108.

Submissions (3):

Myriad Genetics, Inc.
Classification: Pathogenic for Sessile serrated polyposis cancer syndrome. Last evaluated: 2026-04-02. Review status: criteria provided, single submitter. Criteria: Myriad Autosomal Dominant, Autosomal Recessive and X-Linked Classification Criteria (2023). Collection method: clinical testing. Allele origin: unknown.
Comment: This variant is considered pathogenic. This variant creates a frameshift predicted to result in premature protein truncation.

Ambry Genetics
Classification: Uncertain significance. Last evaluated: 2025-11-24. Review status: criteria provided, single submitter. Criteria: Ambry Variant Classification Scheme 2023. Collection method: clinical testing. Allele origin: germline.
Comment: The c.1109delC variant, located in coding exon 8 of the RNF43 gene, results from a deletion of one nucleotide at nucleotide position 1109, causing a translational frameshift with a predicted alternate stop codon (p.P370Hfs*49). The evidence for this gene-disease relationship is limited; therefore, the clinical significance of this alteration is unclear.

Labcorp Genetics (formerly Invitae), Labcorp
Classification: Uncertain significance. Last evaluated: 2023-02-08. Review status: criteria provided, single submitter. Criteria: Invitae Variant Classification Sherloc (09022015). Collection method: clinical testing. Allele origin: germline.
Comment: This sequence change creates a premature translational stop signal (p.Pro370Hisfs*49) in the RNF43 gene. It is expected to result in an absent or disrupted protein product. However, the current clinical and genetic evidence is not sufficient to establish whether loss-of-function variants in RNF43 cause disease. This variant is not present in population databases (gnomAD no frequency). This variant has not been reported in the literature in individuals affected with RNF43-related conditions. In summary, the available evidence is currently insufficient to determine the role of this variant in disease. Therefore, it has been classified as a Variant of Uncertain Significance.